The following is an entry in ClinVar:

ClinVar aggregate classification (germline): Likely benign (0 of 4 stars; one submission).

Conditions:
EPPK1-related disorder. Also called: EPPK1-related condition.

Allele frequency attached by ClinVar (database versions not stated): TOPMed below 0.00001; ExAC 0.02962.

Submission:

PreventionGenetics, part of Exact Sciences
Classification: Likely benign for EPPK1-related condition. Last evaluated: 2022-02-03. Review status: no assertion criteria provided. Collection method: clinical testing. Allele origin: germline.
Comment: This variant is classified as likely benign based on ACMG/AMP sequence variant interpretation guidelines (Richards et al. 2015 PMID: 25741868, with internal and published modifications).

NM_031308.4(EPPK1):c.6630C>G (p.Leu2210=)

Gene: EPPK1 (epiplakin 1; minus strand). Cytogenetic location: 8q24.3.
Variant type: single nucleotide variant.
Coding change: c.6630C>G on transcript NM_031308.4 (MANE Select); coding-DNA position 6630, C replaced by G.
Protein change: p.Leu2210=; no amino-acid change (leucine 2210 retained).
Molecular consequence: synonymous variant.
Genome position (GRCh38, 1-based): chr8:143,866,624, G>C on the plus strand (C>G on the coding strand, the complement: EPPK1 is on the minus strand). VCF-style: chr8-143866624-G-C. GRCh37 (hg19) VCF-style: chr8-144940792-G-C.
Identifiers: ClinVar variation 3035046 (VCV003035046.2), dbSNP rs782114837, ClinGen allele CA4921633.
Genomic context (GRCh38, chr8:143,866,624, plus strand): 5'-CAGGACGCCCGCGATGCAGCTGGTGCCCTCCAGGTAGCGCTTGACGCGGTCGTCCTCCAT[G>C]AGCTCTTGCGTCGTGCTCCGTCCCGTTTCCAGGTCCTGGAGCATTTCCTCCGTGATTATG-3'
Protein context (NP_112598.3, residues 2200-2220): LETGRSTTQE[Leu2210=]MEDDRVKRYL